The following is an entry in ClinVar:

ClinVar aggregate classification (germline): Uncertain significance. Review status: criteria provided, multiple submitters, no conflicts (2 of 4 stars). 2 submissions from 2 submitters: Uncertain significance (2). Last evaluated 2025-06-09.

Conditions:
Inborn genetic diseases. Identifiers: MedGen C0950123, MeSH D030342.
Glycogen storage disease IXd (GSD9D). Also called: GSD IXd; Muscle Phosphorylase Kinase Deficiency. Identifiers: Orphanet 715, MedGen C1845151, MONDO:0010362, OMIM 300559.

Allele frequency attached by ClinVar (database versions not stated): gnomAD exomes below 0.00001; ExAC 0.00001; TOPMed 0.00002; gnomAD 0.00003; ESP Exome Variant Server 0.00009.
gnomAD v4.1: 5 of 1,207,186 alleles (0.00041%); highest among the groups gnomAD compares: African/African-American, 0.007%; no homozygotes.

Submissions (2):

Labcorp Genetics (formerly Invitae), Labcorp
Classification: Uncertain significance for Glycogen storage disease IXd. Last evaluated: 2025-06-09. Review status: criteria provided, single submitter. Criteria: Invitae Variant Classification Sherloc (09022015). Collection method: clinical testing. Allele origin: germline.
Comment: This sequence change replaces isoleucine, which is neutral and non-polar, with threonine, which is neutral and polar, at codon 454 of the PHKA1 protein (p.Ile454Thr). This variant is present in population databases (rs376284564, gnomAD 0.008%). This variant has not been reported in the literature in individuals affected with PHKA1-related conditions. ClinVar contains an entry for this variant (Variation ID: 2154789). Invitae Evidence Modeling of protein sequence and biophysical properties (such as structural, functional, and spatial information, amino acid conservation, physicochemical variation, residue mobility, and thermodynamic stability) indicates that this missense variant is not expected to disrupt PHKA1 protein function with a negative predictive value of 80%. In summary, the available evidence is currently insufficient to determine the role of this variant in disease. Therefore, it has been classified as a Variant of Uncertain Significance.

Ambry Genetics
Classification: Uncertain significance for Inborn genetic diseases. Last evaluated: 2024-11-15. Review status: criteria provided, single submitter. Criteria: Ambry Variant Classification Scheme 2023. Collection method: clinical testing. Allele origin: germline.

NM_002637.4(PHKA1):c.1361T>C (p.Ile454Thr)

Gene: PHKA1 (phosphorylase kinase regulatory subunit alpha 1; minus strand). Cytogenetic location: Xq13.1.
Variant type: single nucleotide variant.
Coding change: c.1361T>C on transcript NM_002637.4 (MANE Select); coding-DNA position 1361, T replaced by C.
Protein change: p.Ile454Thr; replaces isoleucine 454 with threonine.
Molecular consequence: missense variant.
Genome position (GRCh38, 1-based): chrX:72,644,460, A>G on the plus strand (T>C on the coding strand, the complement: PHKA1 is on the minus strand). VCF-style: chrX-72644460-A-G. GRCh37 (hg19) VCF-style: chrX-71864310-A-G.
Other names: c.1361T>C, p.Ile454Thr (NM_001122670.2, NM_001172436.2); c.1361T>C (NM_002637.3); short protein forms I454T.
Identifiers: ClinVar variation 2154789 (VCV002154789.5), dbSNP rs376284564, ClinGen allele CA10450875.